The following is an entry in ClinVar:

ClinVar aggregate classification (germline): Uncertain significance. Review status: criteria provided, multiple submitters, no conflicts (2 of 4 stars). 2 submissions from 2 submitters: Uncertain significance (2). Last evaluated 2024-07-09.

Allele frequency attached by ClinVar (database versions not stated): gnomAD exomes below 0.00001; ExAC 0.00001.
gnomAD v4.1: 6 of 1,613,948 alleles (0.00037%); highest among the groups gnomAD compares: Non-Finnish European, 0.00051%; no homozygotes.

Submissions (2):

Blueprint Genetics
Classification: Uncertain significance. Last evaluated: 2024-07-09. Review status: criteria provided, single submitter. Criteria: ACMG Guidelines, 2015. Collection method: clinical testing. Allele origin: germline.

Labcorp Genetics (formerly Invitae), Labcorp
Classification: Uncertain significance. Last evaluated: 2022-01-20. Review status: criteria provided, single submitter. Criteria: Invitae Variant Classification Sherloc (09022015). Collection method: clinical testing. Allele origin: germline.
Comment: This sequence change replaces glycine, which is neutral and non-polar, with serine, which is neutral and polar, at codon 589 of the COL9A1 protein (p.Gly589Ser). This variant is present in population databases (rs778685148, gnomAD 0.0009%). This variant has not been reported in the literature in individuals affected with COL9A1-related conditions. Algorithms developed to predict the effect of missense changes on protein structure and function (SIFT, PolyPhen-2, Align-GVGD) all suggest that this variant is likely to be disruptive. In summary, the available evidence is currently insufficient to determine the role of this variant in disease. Therefore, it has been classified as a Variant of Uncertain Significance.

NM_001851.6(COL9A1):c.1765G>A (p.Gly589Ser)

Gene: COL9A1 (collagen type IX alpha 1 chain; minus strand). Cytogenetic location: 6q13.
Variant type: single nucleotide variant.
Coding change: c.1765G>A on transcript NM_001851.6 (MANE Select); coding-DNA position 1765, G replaced by A.
Protein change: p.Gly589Ser; replaces glycine 589 with serine.
Molecular consequence: missense variant. On other transcripts: non-coding transcript variant (1).
Genome position (GRCh38, 1-based): chr6:70,252,315, C>T on the plus strand (G>A on the coding strand, the complement: COL9A1 is on the minus strand). VCF-style: chr6-70252315-C-T. GRCh37 (hg19) VCF-style: chr6-70962018-C-T.
Other names: c.1066G>A, p.Gly356Ser (NM_001377289.1); c.1036G>A, p.Gly346Ser (NM_001377290.1, NM_078485.4); short protein forms G589S, G346S, G356S.
Identifiers: ClinVar variation 1895892 (VCV001895892.3), dbSNP rs778685148, ClinGen allele CA3882014.